The following is an entry in ClinVar:

NM_003190.5(TAPBP):c.859G>A (p.Ala287Thr)

Gene: TAPBP (TAP binding protein; minus strand). Cytogenetic location: 6p21.32.
Variant type: single nucleotide variant.
Coding change: c.859G>A on transcript NM_003190.5 (MANE Select); coding-DNA position 859, G replaced by A.
Protein change: p.Ala287Thr; replaces alanine 287 with threonine.
Molecular consequence: missense variant.
Genome position (GRCh38, 1-based): chr6:33,304,998, C>T on the plus strand (G>A on the coding strand, the complement: TAPBP is on the minus strand). VCF-style: chr6-33304998-C-T. GRCh37 (hg19) VCF-style: chr6-33272775-C-T.
Other names: c.859G>A, p.Ala287Thr (NM_001410875.1, NM_172208.3); c.598G>A, p.Ala200Thr (NM_172209.3); short protein forms A200T, A287T.
Identifiers: ClinVar variation 2043286 (VCV002043286.4), dbSNP rs1046677566, ClinGen allele CA137089181.

ClinVar aggregate classification (germline): Uncertain significance (1 of 4 stars; one submission).

Conditions:
MHC class I deficiency. Identifiers: Orphanet 34592, MedGen C6024714, MONDO:0011476.

Allele frequency attached by ClinVar (database versions not stated): gnomAD exomes below 0.00001.
gnomAD v4.1: 1 of 1,614,058 alleles (0.000062%); highest among the groups gnomAD compares: Admixed American, 0.0017%; no homozygotes.

Submission:

Labcorp Genetics (formerly Invitae), Labcorp
Classification: Uncertain significance for MHC class I deficiency 1. Last evaluated: 2022-05-04. Review status: criteria provided, single submitter. Criteria: Invitae Variant Classification Sherloc (09022015). Collection method: clinical testing. Allele origin: germline.
Comment: In summary, the available evidence is currently insufficient to determine the role of this variant in disease. Therefore, it has been classified as a Variant of Uncertain Significance. Algorithms developed to predict the effect of missense changes on protein structure and function output the following: SIFT: "Tolerated"; PolyPhen-2: "Benign"; Align-GVGD: "Class C0". The threonine amino acid residue is found in multiple mammalian species, which suggests that this missense change does not adversely affect protein function. This variant has not been reported in the literature in individuals affected with TAPBP-related conditions. This variant is not present in population databases (gnomAD no frequency). This sequence change replaces alanine, which is neutral and non-polar, with threonine, which is neutral and polar, at codon 287 of the TAPBP protein (p.Ala287Thr).